The following is an entry in ClinVar:

NM_001854.4(COL11A1):c.3978+5G>T

Gene: COL11A1 (collagen type XI alpha 1 chain; minus strand). Cytogenetic location: 1p21.1.
Variant type: single nucleotide variant.
Coding change: c.3978+5G>T on transcript NM_001854.4 (MANE Select); 5 bases into the intron after coding-DNA position 3978, G replaced by T.
Molecular consequence: intron variant.
Genome position (GRCh38, 1-based): chr1:102,914,347, C>A on the plus strand (G>T on the coding strand, the complement: COL11A1 is on the minus strand). VCF-style: chr1-102914347-C-A. GRCh37 (hg19) VCF-style: chr1-103379903-C-A.
Other names: c.3861+5G>T (NM_001190709.2); c.4014+5G>T (NM_080629.3); c.3630+5G>T (NM_080630.4).
Identifiers: ClinVar variation 4855819 (VCV004855819.1).

ClinVar aggregate classification (germline): Uncertain significance (1 of 4 stars; one submission).

Conditions:
Stickler syndrome type 2 (STL2). Also called: COL11A1-Related Stickler Syndrome; STICKLER SYNDROME, BEADED VITREOUS TYPE; STICKLER SYNDROME, VITREOUS TYPE 2; STICKLER SYNDROME, TYPE II. Identifiers: Orphanet 828, Orphanet 90654, MedGen C1858084, MONDO:0011493, OMIM 604841.

Submission:

3billion
Classification: Uncertain significance for Stickler syndrome type 2. Last evaluated: 2025-05-27. Review status: criteria provided, single submitter. Criteria: ACMG Guidelines, 2015. Collection method: clinical testing. Allele origin: germline. Affected: yes.
Comment: The variant is not observed in the gnomAD v4.1.0 dataset. Predicted Consequence/Location: Intron variant In silico tools predict the variant to alter splicing and produce an abnormal transcript [SpliceAI: 0.91 (>=0.2, moderate evidence for spliceogenicity)]. Therefore, this variant is classified as VUS according to the recommendation of ACMG/AMP guideline.